The following is an entry in ClinVar:

NM_133433.4(NIPBL):c.1447_1448del (p.Glu483fs)

Gene: NIPBL (NIPBL cohesin loading factor; plus strand). Cytogenetic location: 5p13.2.
Variant type: Microsatellite.
Coding change: c.1447_1448del on transcript NM_133433.4 (MANE Select); coding-DNA positions 1447 to 1448, 2 bases deleted (GA; older notation c.1447_1448delGA).
Protein change: p.Glu483fs; shifts the reading frame from glutamic acid 483.
Molecular consequence: frameshift variant.
Genome position (GRCh38, 1-based): chr5:36,976,354-36,976,355, GA deleted; deleting any 2 consecutive bases within chr5:36,976,347-36,976,355 gives the same sequence; the c. name uses the placement nearest the transcript's 3' end. VCF-style (leftmost placement, unchanged base first): chr5-36976346-TAG-T. GRCh37 (hg19) VCF-style: chr5-36976448-TAG-T.
Other names: c.1447_1448del, p.Glu483fs (NM_015384.5); short protein forms E483fs.
Identifiers: ClinVar variation 159034 (VCV000159034.7), dbSNP rs80358382, ClinGen allele CA271970.
Genomic context (GRCh38, chr5:36,976,346, plus strand): 5'-CACAACAGGGACCTATATATGATGAAGTGGAATTGGATGCATTGGCTGAAATTGAGCGAA[TAG>T]AGAGAGAATCAGCTATTGAAAGGGAGCGCTTCTCAAAAGAAGTTCAAGATAAAGGTAAAA-3'

ClinVar aggregate classification (germline): Pathogenic. Review status: criteria provided, multiple submitters, no conflicts (2 of 4 stars). 2 submissions from 2 submitters: Pathogenic (2). Last evaluated 2025-04-30.

Conditions:
Cornelia de Lange syndrome 1 (CDLS1). Also called: Brachmann de Lange syndrome; NIPBL-Related Cornelia de Lange Syndrome; TYPUS DEGENERATIVUS AMSTELODAMENSIS. Identifiers: Orphanet 199, MedGen C4551851, MONDO:0007387, OMIM 122470.

Submissions (2):

Labcorp Genetics (formerly Invitae), Labcorp
Classification: Pathogenic for Cornelia de Lange syndrome 1. Last evaluated: 2025-04-30. Review status: criteria provided, single submitter. Criteria: Invitae Variant Classification Sherloc (09022015). Collection method: clinical testing. Allele origin: germline.
Comment: This sequence change creates a premature translational stop signal (p.Glu483Ilefs*4) in the NIPBL gene. It is expected to result in an absent or disrupted protein product. Loss-of-function variants in NIPBL are known to be pathogenic (PMID: 15318302, 19763162, 23505322, 29995837). This variant is not present in population databases (gnomAD no frequency). This variant has not been reported in the literature in individuals affected with NIPBL-related conditions. ClinVar contains an entry for this variant (Variation ID: 159034). For these reasons, this variant has been classified as Pathogenic.

Genetic Services Laboratory, University of Chicago
Classification: Pathogenic for Cornelia de Lange syndrome 1. Last evaluated: 2013-05-30. Review status: criteria provided, single submitter. Criteria: ACMG Guidelines, 2007. Collection method: clinical testing. Allele origin: germline. Inheritance: Autosomal dominant inheritance. Affected: yes.

Literature cited by the submitters: PubMed 15318302 (cited by Labcorp Genetics (formerly Invitae), Labcorp); PubMed 19763162 (cited by Labcorp Genetics (formerly Invitae), Labcorp); PubMed 23505322 (cited by Labcorp Genetics (formerly Invitae), Labcorp); PubMed 29995837 (cited by Labcorp Genetics (formerly Invitae), Labcorp).